The following is an entry in ClinVar:

ClinVar aggregate classification (germline): Uncertain significance (1 of 4 stars; one submission).

Submission:

Labcorp Genetics (formerly Invitae), Labcorp
Classification: Uncertain significance. Last evaluated: 2025-05-18. Review status: criteria provided, single submitter. Criteria: Invitae Variant Classification Sherloc (09022015). Collection method: clinical testing. Allele origin: germline.
Comment: This sequence change replaces phenylalanine, which is neutral and non-polar, with leucine, which is neutral and non-polar, at codon 149 of the KL protein (p.Phe149Leu). This variant is not present in population databases (gnomAD no frequency). This variant has not been reported in the literature in individuals affected with KL-related conditions. Invitae Evidence Modeling of protein sequence and biophysical properties (such as structural, functional, and spatial information, amino acid conservation, physicochemical variation, residue mobility, and thermodynamic stability) indicates that this missense variant is expected to disrupt KL protein function with a positive predictive value of 80%. In summary, the available evidence is currently insufficient to determine the role of this variant in disease. Therefore, it has been classified as a Variant of Uncertain Significance.

NM_004795.4(KL):c.445T>C (p.Phe149Leu)

Gene: KL (klotho; plus strand). Cytogenetic location: 13q13.1.
Variant type: single nucleotide variant.
Coding change: c.445T>C on transcript NM_004795.4 (MANE Select); coding-DNA position 445, T replaced by C.
Protein change: p.Phe149Leu; replaces phenylalanine 149 with leucine.
Molecular consequence: missense variant.
Genome position (GRCh38, 1-based): chr13:33,016,885, T>C. VCF-style: chr13-33016885-T-C. GRCh37 (hg19) VCF-style: chr13-33591023-T-C.
Other names: short protein forms F149L.
Identifiers: ClinVar variation 4705960 (VCV004705960.1).